The following is an entry in ClinVar:

NM_000094.4(COL7A1):c.5035G>A (p.Gly1679Arg)

Gene: COL7A1 (collagen type VII alpha 1 chain; minus strand). Cytogenetic location: 3p21.31.
Variant type: single nucleotide variant.
Coding change: c.5035G>A on transcript NM_000094.4 (MANE Select); coding-DNA position 5035, G replaced by A.
Protein change: p.Gly1679Arg; replaces glycine 1679 with arginine.
Molecular consequence: missense variant.
Genome position (GRCh38, 1-based): chr3:48,580,598, C>T on the plus strand (G>A on the coding strand, the complement: COL7A1 is on the minus strand). VCF-style: chr3-48580598-C-T. GRCh37 (hg19) VCF-style: chr3-48618031-C-T.
Other names: short protein forms G1679R.
Identifiers: ClinVar variation 429804 (VCV000429804.2), dbSNP rs1131691601, ClinGen allele CA352679497.

ClinVar aggregate classification (germline): Pathogenic (1 of 4 stars; one submission).

Allele frequency attached by ClinVar (database versions not stated): gnomAD exomes below 0.00001.
gnomAD v4.1: 4 of 1,613,944 alleles (0.00025%); highest among the groups gnomAD compares: Non-Finnish European, 0.00034%; no homozygotes.

Submission:

GeneDx
Classification: Pathogenic. Last evaluated: 2015-09-07. Review status: criteria provided, single submitter. Criteria: GeneDx Variant Classification (06012015). Collection method: clinical testing. Allele origin: germline. Affected: yes.
Comment: The G1679R pathogenic variant in the COL7A1 gene has not been reported previously as a pathogenic variant nor as a benign variant, to our knowledge. The G1679R variant was not observed in approximately 6500 individuals of European and African American ancestry in the NHLBI Exome Sequencing Project, indicating it is not a common benign variant in these populations .The G1679R variant is a non-conservative amino acid substitution, which is likely to impact secondary protein structure as these residues differ in polarity, charge, size and/or other properties. This substitution occurs at a position that is conserved by class and is within the canonical Gly-X-Y triple helical domain of the collagenous portion of the protein at the Gly position where Glycine is highly conserved and required for proper winding of the collagen triple helix. Replacement of a Glycine at this position causes destabilization of the triple helix and results in anchoring fibrils which do not function properly to anchor the epidermis to the dermis. Consistent with this in silico analysis predicts this variant is probably damaging. to the protein structure/function. Missense variants in nearby residues (G1676E, G1673R) have been reported in the Human Gene Mutation Database in association with DEB (Stenson et al., 2014), supporting the functional importance of this region of the protein. We interpret G1679R as a pathogenic variant.